The following is an entry in ClinVar:

ClinVar aggregate classification (germline): Uncertain significance. Review status: criteria provided, multiple submitters, no conflicts (2 of 4 stars). 2 submissions from 2 submitters: Uncertain significance (2). Last evaluated 2025-07-02.

Conditions:
Inborn genetic diseases. Identifiers: MedGen C0950123, MeSH D030342.
Neonatal-onset encephalopathy with rigidity and seizures. Also called: Lethal neonatal spasticity-epileptic encephalopathy syndrome. Identifiers: Orphanet 435845, MedGen C3281029, MONDO:0013784, OMIM 614498.

gnomAD v4.1: 12 of 1,578,242 alleles (0.00076%); highest among the groups gnomAD compares: Non-Finnish European, 0.001%; no homozygotes.

Submissions (2):

Ambry Genetics
Classification: Uncertain significance for Inborn genetic diseases. Last evaluated: 2025-07-02. Review status: criteria provided, single submitter. Criteria: Ambry Variant Classification Scheme 2023. Collection method: clinical testing. Allele origin: germline.

Labcorp Genetics (formerly Invitae), Labcorp
Classification: Uncertain significance for Neonatal-onset encephalopathy with rigidity and seizures. Last evaluated: 2023-12-11. Review status: criteria provided, single submitter. Criteria: Invitae Variant Classification Sherloc (09022015). Collection method: clinical testing. Allele origin: germline.
Comment: This sequence change replaces proline, which is neutral and non-polar, with serine, which is neutral and polar, at codon 231 of the BRAT1 protein (p.Pro231Ser). This variant is not present in population databases (gnomAD no frequency). This variant has not been reported in the literature in individuals affected with BRAT1-related conditions. ClinVar contains an entry for this variant (Variation ID: 1500217). Advanced modeling of protein sequence and biophysical properties (such as structural, functional, and spatial information, amino acid conservation, physicochemical variation, residue mobility, and thermodynamic stability) performed at Invitae indicates that this missense variant is not expected to disrupt BRAT1 protein function with a negative predictive value of 80%. In summary, the available evidence is currently insufficient to determine the role of this variant in disease. Therefore, it has been classified as a Variant of Uncertain Significance.

NM_152743.4(BRAT1):c.691C>T (p.Pro231Ser)

Gene: BRAT1 (BRCA1 associated ATM activator 1; minus strand). Cytogenetic location: 7p22.3.
Variant type: single nucleotide variant.
Coding change: c.691C>T on transcript NM_152743.4 (MANE Select); coding-DNA position 691, C replaced by T.
Protein change: p.Pro231Ser; replaces proline 231 with serine.
Molecular consequence: missense variant. On other transcripts: non-coding transcript variant (1).
Genome position (GRCh38, 1-based): chr7:2,543,702, G>A on the plus strand (C>T on the coding strand, the complement: BRAT1 is on the minus strand). VCF-style: chr7-2543702-G-A. GRCh37 (hg19) VCF-style: chr7-2583336-G-A.
Other names: c.691C>T (NM_152743.3); c.691C>T, p.Pro231Ser (NM_001350626.2); c.166C>T, p.Pro56Ser (NM_001350627.2); short protein forms P231S, P56S.
Identifiers: ClinVar variation 1500217 (VCV001500217.9), dbSNP rs927890052, ClinGen allele CA366631974.